The following is an entry in ClinVar:

ClinVar aggregate classification (germline): Pathogenic. Review status: criteria provided, multiple submitters, no conflicts (2 of 4 stars). 2 submissions from 2 submitters: Pathogenic (2). Last evaluated 2022-05-27.

Conditions:
Early-infantile DEE. Also called: Ohtahara syndrome; Early infantile epileptic encephalopathy; Early infantile epileptic encephalopathy with suppression bursts. Identifiers: Orphanet 1934, MedGen C0393706, MONDO:0800491.

Submissions (2):

Labcorp Genetics (formerly Invitae), Labcorp
Classification: Pathogenic for Early-infantile DEE. Last evaluated: 2022-05-27. Review status: criteria provided, single submitter. Criteria: Invitae Variant Classification Sherloc (09022015). Collection method: clinical testing. Allele origin: germline.
Comment: For these reasons, this variant has been classified as Pathogenic. Advanced modeling of protein sequence and biophysical properties (such as structural, functional, and spatial information, amino acid conservation, physicochemical variation, residue mobility, and thermodynamic stability) performed at Invitae indicates that this missense variant is expected to disrupt SCN1A protein function. ClinVar contains an entry for this variant (Variation ID: 206814). This missense change has been observed in individual(s) with clinical features of SCN1A-related conditions and/or Dravet syndrome (PMID: 20729507, 29655203). In at least one individual the variant was observed to be de novo. This variant is not present in population databases (gnomAD no frequency). This sequence change replaces glycine, which is neutral and non-polar, with arginine, which is basic and polar, at codon 1433 of the SCN1A protein (p.Gly1433Arg).

GeneDx
Classification: Pathogenic. Last evaluated: 2014-06-17. Review status: criteria provided, single submitter. Criteria: GeneDx Variant Classification (06012015). Collection method: clinical testing. Allele origin: germline. Affected: yes.
Comment: p.Gly1433Arg (GGA>CGA): c.4297 G>C in exon 22 of the SCN1A gene (NM_001165963.1) The G1433R missense mutation in the SCN1A gene has been reported previously as a de novo mutation in association with severe myoclonic epilepsy of infancy (Dravet syndrome) (Nicita el at., 2010). Different missense substitutions at the same position (G1433E, G1433V) have also been reported in association with Dravet syndrome. The variant is found in EPILEPSY panel(s).

Literature cited by the submitters: PubMed 20729507 (cited by Labcorp Genetics (formerly Invitae), Labcorp); PubMed 29655203 (cited by Labcorp Genetics (formerly Invitae), Labcorp).

NM_001165963.4(SCN1A):c.4297G>C (p.Gly1433Arg)

Genes: SCN1A (sodium voltage-gated channel alpha subunit 1; minus strand), LOC102724058 (uncharacterized LOC102724058; plus strand). Cytogenetic location: 2q24.3.
Variant type: single nucleotide variant.
Coding change: c.4297G>C on transcript NM_001165963.4 (MANE Select); coding-DNA position 4297, G replaced by C.
Protein change: p.Gly1433Arg; replaces glycine 1433 with arginine.
Molecular consequence: missense variant. On other transcripts: non-coding transcript variant (1).
Genome position (GRCh38, 1-based): chr2:165,999,764, C>G on the plus strand (G>C on the coding strand, the complement: SCN1A is on the minus strand). VCF-style: chr2-165999764-C-G. GRCh37 (hg19) VCF-style: chr2-166856274-C-G.
Other names: p.G1433R:GGA>CGA; c.4213G>C, p.Gly1405Arg (NM_001165964.3, NM_001353957.2, NM_001353958.2); c.4297G>C, p.Gly1433Arg (NM_001202435.3, NM_001353948.2); c.4264G>C, p.Gly1422Arg (NM_001353949.2, NM_001353950.2, NM_001353951.2 and 2 more transcripts); c.4261G>C, p.Gly1421Arg (NM_001353954.2, NM_001353955.2); c.4210G>C, p.Gly1404Arg (NM_001353960.2); c.1855G>C, p.Gly619Arg (NM_001353961.2); short protein forms G1422R, G1433R, G1404R, G1405R, G619R, G1421R.
Identifiers: ClinVar variation 206814 (VCV000206814.6), dbSNP rs121917908, ClinGen allele CA317416.